The following is an entry in ClinVar:

NM_005458.8(GABBR2):c.1955A>G (p.His652Arg)

Gene: GABBR2 (gamma-aminobutyric acid type B receptor subunit 2; minus strand). Cytogenetic location: 9q22.33.
Variant type: single nucleotide variant.
Coding change: c.1955A>G on transcript NM_005458.8 (MANE Select); coding-DNA position 1955, A replaced by G.
Protein change: p.His652Arg; replaces histidine 652 with arginine.
Molecular consequence: missense variant.
Genome position (GRCh38, 1-based): chr9:98,311,144, T>C on the plus strand (A>G on the coding strand, the complement: GABBR2 is on the minus strand). VCF-style: chr9-98311144-T-C. GRCh37 (hg19) VCF-style: chr9-101073426-T-C.
Other names: short protein forms H652R.
Identifiers: ClinVar variation 3676353 (VCV003676353.2).

ClinVar aggregate classification (germline): Uncertain significance (1 of 4 stars; one submission).

Conditions:
Epileptic encephalopathy. Identifiers: MedGen C0543888, HP:0200134.

gnomAD v4.1: 1 of 1,613,644 alleles (0.000062%); highest among the groups gnomAD compares: South Asian, 0.0011%; no homozygotes.

Submission:

Labcorp Genetics (formerly Invitae), Labcorp
Classification: Uncertain significance for Epileptic encephalopathy. Last evaluated: 2024-08-01. Review status: criteria provided, single submitter. Criteria: Invitae Variant Classification Sherloc (09022015). Collection method: clinical testing. Allele origin: germline.
Comment: This sequence change replaces histidine, which is basic and polar, with arginine, which is basic and polar, at codon 652 of the GABBR2 protein (p.His652Arg). This variant is not present in population databases (gnomAD no frequency). This variant has not been reported in the literature in individuals affected with GABBR2-related conditions. Advanced modeling of protein sequence and biophysical properties (such as structural, functional, and spatial information, amino acid conservation, physicochemical variation, residue mobility, and thermodynamic stability) performed at Invitae indicates that this missense variant is not expected to disrupt GABBR2 protein function with a negative predictive value of 80%. In summary, the available evidence is currently insufficient to determine the role of this variant in disease. Therefore, it has been classified as a Variant of Uncertain Significance.